The following is an entry in ClinVar:

NM_002470.4(MYH3):c.3240G>T (p.Arg1080Ser)

Gene: MYH3 (myosin heavy chain 3; minus strand). Cytogenetic location: 17p13.1.
Variant type: single nucleotide variant.
Coding change: c.3240G>T on transcript NM_002470.4 (MANE Select); coding-DNA position 3240, G replaced by T.
Protein change: p.Arg1080Ser; replaces arginine 1080 with serine.
Molecular consequence: missense variant.
Genome position (GRCh38, 1-based): chr17:10,639,052, C>A on the plus strand (G>T on the coding strand, the complement: MYH3 is on the minus strand). VCF-style: chr17-10639052-C-A. GRCh37 (hg19) VCF-style: chr17-10542369-C-A.
Other names: short protein forms R1080S.
Identifiers: ClinVar variation 2705685 (VCV002705685.3), dbSNP rs1195705565, ClinGen allele CA398153998.
Genomic context (GRCh38, chr17:10,639,052, plus strand): 5'-GACAAAATACACAGTAACTTGCAAAATGGAAGCCAGTGGTTGAAGGGCATACTTCTTGAG[C>A]CTTTCGTCCAGCTGTTGCTTGTCATTCTCCAGATCTAATATGGACTCTTGAGCAAGCTTC-3'
Protein context (NP_002461.2, residues 1070-1090): LENDKQQLDE[Arg1080Ser]LKKKDFEYCQ

ClinVar aggregate classification (germline): Uncertain significance (1 of 4 stars; one submission).

gnomAD v4.1: 1 of 1,614,116 alleles (0.000062%); highest among the groups gnomAD compares: Non-Finnish European, 0.000085%; no homozygotes.

Submission:

Labcorp Genetics (formerly Invitae), Labcorp
Classification: Uncertain significance. Last evaluated: 2023-06-09. Review status: criteria provided, single submitter. Criteria: Invitae Variant Classification Sherloc (09022015). Collection method: clinical testing. Allele origin: germline.
Comment: This variant is not present in population databases (gnomAD no frequency). This sequence change replaces arginine, which is basic and polar, with serine, which is neutral and polar, at codon 1080 of the MYH3 protein (p.Arg1080Ser). This variant has not been reported in the literature in individuals affected with MYH3-related conditions. In summary, the available evidence is currently insufficient to determine the role of this variant in disease. Therefore, it has been classified as a Variant of Uncertain Significance. Advanced modeling of protein sequence and biophysical properties (such as structural, functional, and spatial information, amino acid conservation, physicochemical variation, residue mobility, and thermodynamic stability) performed at Invitae indicates that this missense variant is not expected to disrupt MYH3 protein function.